The following is an entry in ClinVar:

NM_001134407.3(GRIN2A):c.406G>T (p.Ala136Ser)

Gene: GRIN2A (glutamate ionotropic receptor NMDA type subunit 2A; minus strand). Cytogenetic location: 16p13.2.
Variant type: single nucleotide variant.
Coding change: c.406G>T on transcript NM_001134407.3 (MANE Select); coding-DNA position 406, G replaced by T.
Protein change: p.Ala136Ser; replaces alanine 136 with serine.
Molecular consequence: missense variant.
Genome position (GRCh38, 1-based): chr16:10,180,006, C>A on the plus strand (G>T on the coding strand, the complement: GRIN2A is on the minus strand). VCF-style: chr16-10180006-C-A. GRCh37 (hg19) VCF-style: chr16-10273863-C-A.
Other names: c.406G>T, p.Ala136Ser (NM_000833.5, NM_001134408.2); short protein forms A136S.
Identifiers: ClinVar variation 502679 (VCV000502679.10), dbSNP rs1555491437, ClinGen allele CA394715062.

ClinVar aggregate classification (germline): Uncertain significance. Review status: criteria provided, multiple submitters, no conflicts (2 of 4 stars). 3 submissions from 3 submitters: Uncertain significance (3). Last evaluated 2025-12-21.

Conditions:
Landau-Kleffner syndrome (FESD). Also called: EPILEPSY, FOCAL, WITH SPEECH DISORDER AND WITH OR WITHOUT MENTAL RETARDATION; APHASIA, ACQUIRED, WITH EPILEPSY. Identifiers: Orphanet 1945, Orphanet 725, Orphanet 98818, MedGen C0282512, MONDO:0009509, OMIM 245570.

Allele frequency attached by ClinVar (database versions not stated): TOPMed below 0.00001.

Submissions (3):

Labcorp Genetics (formerly Invitae), Labcorp
Classification: Uncertain significance for Landau-Kleffner syndrome. Last evaluated: 2025-12-21. Review status: criteria provided, single submitter. Criteria: Invitae Variant Classification Sherloc (09022015). Collection method: clinical testing. Allele origin: germline.
Comment: This sequence change replaces alanine, which is neutral and non-polar, with serine, which is neutral and polar, at codon 136 of the GRIN2A protein (p.Ala136Ser). This variant is not present in population databases (gnomAD no frequency). This variant has not been reported in the literature in individuals affected with GRIN2A-related conditions. ClinVar contains an entry for this variant (Variation ID: 502679). Invitae Evidence Modeling of protein sequence and biophysical properties (such as structural, functional, and spatial information, amino acid conservation, physicochemical variation, residue mobility, and thermodynamic stability) indicates that this missense variant is not expected to disrupt GRIN2A protein function with a negative predictive value of 95%. In summary, the available evidence is currently insufficient to determine the role of this variant in disease. Therefore, it has been classified as a Variant of Uncertain Significance.

GeneDx
Classification: Uncertain significance. Last evaluated: 2023-10-10. Review status: criteria provided, single submitter. Criteria: GeneDx Variant Classification Process June 2021. Collection method: clinical testing. Allele origin: germline. Affected: yes.
Comment: Not observed in large population cohorts (gnomAD); In silico analysis, which includes protein predictors and evolutionary conservation, supports that this variant does not alter protein structure/function; Has not been previously published as pathogenic or benign to our knowledge

Eurofins Ntd Llc (ga)
Classification: Uncertain significance. Last evaluated: 2017-06-23. Review status: criteria provided, single submitter. Criteria: EGL Classification Definitions 2015. Collection method: clinical testing. Allele origin: germline. Observed: 1 variant allele, 1 heterozygote.